The following is an entry in ClinVar:

ClinVar aggregate classification (germline): Uncertain significance. Review status: criteria provided, multiple submitters, no conflicts (2 of 4 stars). 2 submissions from 2 submitters: Uncertain significance (2). Last evaluated 2023-06-23.

Conditions:
Infantile myofibromatosis (IMF). Also called: Congenital generalized fibromatosis. Identifiers: Orphanet 2591, MedGen C0432284, MONDO:0016824.
Skeletal overgrowth-craniofacial dysmorphism-hyperelastic skin-white matter lesions syndrome. Also called: SKELETAL OVERGROWTH WITH FACIAL DYSMORPHISM, HYPERELASTIC SKIN, WHITE MATTER LESIONS, AND NEUROLOGIC DETERIORATION; Kosaki overgrowth syndrome. Identifiers: Orphanet 477831, MedGen C4225270, MONDO:0014704, OMIM 616592.
Acroosteolysis-keloid-like lesions-premature aging syndrome. Also called: Premature aging syndrome, Penttinen type; Prematurely aged appearance, delayed bone maturation, acro-osteolysis, and brachydactyly; Progeroid syndrome, Penttinen type. Identifiers: Orphanet 363665, MedGen C1866182, MONDO:0011150, OMIM 601812.
Basal ganglia calcification, idiopathic, 4 (PFBC4). Also called: Familial Idiopathic Basal Ganglia Calcification 4; PRIMARY FAMILIAL BRAIN CALCIFICATION 4, AUTOSOMAL DOMINANT. Identifiers: Orphanet 1980, MedGen C3554321, MONDO:0014004, OMIM 615007.

Allele frequency attached by ClinVar (database versions not stated): gnomAD exomes 0.00001; gnomAD 0.00001; ExAC 0.00002.

Submissions (2):

Labcorp Genetics (formerly Invitae), Labcorp
Classification: Uncertain significance for Basal ganglia calcification, idiopathic, 4; Skeletal overgrowth-craniofacial dysmorphism-hyperelastic skin-white matter lesions syndrome; Infantile myofibromatosis; Acroosteolysis-keloid-like lesions-premature aging syndrome. Last evaluated: 2023-06-23. Review status: criteria provided, single submitter. Criteria: Invitae Variant Classification Sherloc (09022015). Collection method: clinical testing. Allele origin: germline.
Comment: This sequence change replaces glutamic acid, which is acidic and polar, with lysine, which is basic and polar, at codon 794 of the PDGFRB protein (p.Glu794Lys). In summary, the available evidence is currently insufficient to determine the role of this variant in disease. Therefore, it has been classified as a Variant of Uncertain Significance. Advanced modeling of protein sequence and biophysical properties (such as structural, functional, and spatial information, amino acid conservation, physicochemical variation, residue mobility, and thermodynamic stability) performed at Invitae indicates that this missense variant is not expected to disrupt PDGFRB protein function. This variant has not been reported in the literature in individuals affected with PDGFRB-related conditions. This variant is present in population databases (rs765478860, gnomAD 0.006%).

Seattle Children's Hospital Molecular Genetics Laboratory, Seattle Children's Hospital
Classification: Uncertain significance. Review status: criteria provided, single submitter. Criteria: ACMG Guidelines, 2015. Collection method: clinical testing. Allele origin: germline. Affected: yes.
Comment: The PDGFRB p.Glu794Lys variant is located in an intracellular tyrosine-kinase domain (Uniprot# P09619, amino acids: 600-962), resulting in the replacement of glutamic acid at position 794 with lysine. The p.Glu794Lys variant has not been previously reported in medical literature. This variant has also been observed in 15 heterozygotes in large population studies (gnomAD v4.0.0).

NM_002609.4(PDGFRB):c.2380G>A (p.Glu794Lys)

Gene: PDGFRB (platelet derived growth factor receptor beta; minus strand). Cytogenetic location: 5q32.
Variant type: single nucleotide variant.
Coding change: c.2380G>A on transcript NM_002609.4 (MANE Select); coding-DNA position 2380, G replaced by A.
Protein change: p.Glu794Lys; replaces glutamic acid 794 with lysine.
Molecular consequence: missense variant.
Genome position (GRCh38, 1-based): chr5:150,121,287, C>T on the plus strand (G>A on the coding strand, the complement: PDGFRB is on the minus strand). VCF-style: chr5-150121287-C-T. GRCh37 (hg19) VCF-style: chr5-149500850-C-T.
Other names: c.2380G>A (NM_002609.3); c.2188G>A, p.Glu730Lys (NM_001355016.2); c.1897G>A, p.Glu633Lys (NM_001355017.2); short protein forms E633K, E794K, E730K.
Identifiers: ClinVar variation 2922854 (VCV002922854.2), dbSNP rs765478860, ClinGen allele CA3507648.